The following is an entry in ClinVar:

ClinVar aggregate classification (germline): Pathogenic (1 of 4 stars; one submission).

Conditions:
Rare genetic deafness. Identifiers: Orphanet 96210, MedGen C5680250.

Allele frequency attached by ClinVar (database versions not stated): gnomAD 0.00007; ExAC 0.00009.

Submission:

Laboratory for Molecular Medicine, Mass General Brigham Personalized Medicine
Classification: Pathogenic for Rare genetic deafness. Last evaluated: 2023-02-02. Review status: criteria provided, single submitter. Criteria: ACMG Guidelines, 2015. Collection method: clinical testing. Allele origin: germline.
Comment: The p.His987ArgfsX6 variant in OTOA has been previously reported in one individual with hearing loss and as compound heterozygous with another pathogenic variant (Sommen 2016 PMID: 27068579) This variant has been identified in 0.1% (3/2688) of Latino/Admixed chromosomes by gnomAD. This variant is predicted to cause a frameshift, which alters the protein’s amino acid sequence beginning at position 987 and leads to a premature termination codon 6 amino acids downstream. This alteration is then predicted to lead to a truncated or absent protein. Loss of function of the OTOA gene is an established disease mechanism in autosomal recessive nonsyndromic hearing loss. In summary, , although additional studies are required to fully establish its clinical significance, this variant meets criteria to be classified as likely pathogenic for autosomal recessive nonsyndromic hearing loss. ACMG/AMP criteria applied: PVS1, PM3. (This variant did not meet the variant calling quality criteria, and was included because it has been previously reported as a clinically significant variant.)

NM_144672.4(OTOA):c.2960_2961del (p.His987fs)

Gene: OTOA (otoancorin). Cytogenetic location: 16p12.2.
Variant type: Deletion.
Coding change: c.2960_2961del on transcript NM_144672.4 (MANE Select); coding-DNA positions 2960 to 2961, 2 bases deleted.
Protein change: p.His987fs; shifts the reading frame from histidine 987.
Molecular consequence: frameshift variant.
Genome position: GRCh38 VCF-style: chr16-21752409-CAT-C. GRCh37 (hg19) VCF-style: chr16-21763730-CAT-C.
Other names: c.2723_2724del, p.His908fs (NM_001161683.2); c.1988_1989del, p.His663fs (NM_170664.3); short protein forms H663fs, H908fs, H987fs.
Identifiers: ClinVar variation 3075882 (VCV003075882.1), dbSNP rs766405305, ClinGen allele CA7953010.